The following is an entry in ClinVar:

ClinVar aggregate classification (germline): Pathogenic. Review status: criteria provided, multiple submitters, no conflicts (2 of 4 stars). 4 submissions from 4 submitters: Pathogenic (4). Last evaluated 2025-05-07.

Conditions:
X-linked Alport syndrome (ATS1). Also called: COL4A5-Related Nephropathy; NEPHROPATHY AND DEAFNESS, X-LINKED. Identifiers: Orphanet 63, Orphanet 88917, MedGen C4746986, MONDO:0010520, OMIM 301050.

Submissions (4):

MVZ Medizinische Genetik Mainz
Classification: Pathogenic for X-linked Alport syndrome. Last evaluated: 2025-05-07. Review status: criteria provided, single submitter. Criteria: UK Practice Guidelines For Variant Classification V4 01 2020. Collection method: clinical testing. Allele origin: germline. Inheritance: X-linked dominant inheritance. Affected: yes. Observed: 1 variant allele.

Institute of Human Genetics, Cologne University
Classification: Pathogenic for X-linked Alport syndrome. Last evaluated: 2025-01-21. Review status: criteria provided, single submitter. Criteria: ACMG Guidelines, 2015. Collection method: clinical testing. Allele origin: germline. Affected: yes.

Labcorp Genetics (formerly Invitae), Labcorp
Classification: Pathogenic. Last evaluated: 2021-10-27. Review status: criteria provided, single submitter. Criteria: Invitae Variant Classification Sherloc (09022015). Collection method: clinical testing. Allele origin: germline.
Comment: Advanced modeling of protein sequence and biophysical properties (such as structural, functional, and spatial information, amino acid conservation, physicochemical variation, residue mobility, and thermodynamic stability) performed at Invitae indicates that this missense variant is expected to disrupt COL4A5 protein function. ClinVar contains an entry for this variant (Variation ID: 587093). This missense change has been observed in individuals with Alport syndrome (PMID: 22921432; Invitae). This variant is not present in population databases (gnomAD no frequency). This sequence change replaces glycine, a(n) neutral and non-polar amino acid, with arginine, a(n) basic and polar amino acid, at codon 123 of the COL4A5 protein (p.Gly123Arg). This variant disrupts the triple helix domain of COL4A5. Glycine residues within the Gly-Xaa-Yaa repeats of the triple helix domain are required for the structure and stability of fibrillar collagens (PMID: 7695699, 8218237, 19344236). In COL4A5, missense variants at these glycine residues are significantly enriched in individuals with disease (PMID: 23720012, 27627812) compared to the general population (ExAC). For these reasons, this variant has been classified as Pathogenic. This variant disrupts the p.Gly123 amino acid residue in COL4A5. Other variant(s) that disrupt this residue have been observed in individuals with COL4A5-related conditions (PMID: 24522658), which suggests that this may be a clinically significant amino acid residue.

Institute of Human Genetics Munich, TUM University Hospital
Classification: Pathogenic for X-linked Alport syndrome. Last evaluated: 2021-09-08. Review status: criteria provided, single submitter. Criteria: Classification criteria August 2017. Collection method: clinical testing. Allele origin: germline. Inheritance: X-linked inheritance. Affected: yes. Observed: 1 variant allele.

Literature cited by the submitters: PubMed 22921432 (cited by Labcorp Genetics (formerly Invitae), Labcorp); PubMed 7695699 (cited by Labcorp Genetics (formerly Invitae), Labcorp); PubMed 8218237 (cited by Labcorp Genetics (formerly Invitae), Labcorp); PubMed 19344236 (cited by Labcorp Genetics (formerly Invitae), Labcorp); PubMed 23720012 (cited by Labcorp Genetics (formerly Invitae), Labcorp); PubMed 27627812 (cited by Labcorp Genetics (formerly Invitae), Labcorp); PubMed 24522658 (cited by Labcorp Genetics (formerly Invitae), Labcorp).

NM_033380.3(COL4A5):c.367G>A (p.Gly123Arg)

Gene: COL4A5 (collagen type IV alpha 5 chain; plus strand). Cytogenetic location: Xq22.3.
Variant type: single nucleotide variant.
Coding change: c.367G>A on transcript NM_033380.3 (MANE Select); coding-DNA position 367, G replaced by A.
Protein change: p.Gly123Arg; replaces glycine 123 with arginine.
Molecular consequence: missense variant.
Genome position (GRCh38, 1-based): chrX:108,568,804, G>A. VCF-style: chrX-108568804-G-A. GRCh37 (hg19) VCF-style: chrX-107812034-G-A.
Other names: c.367G>A, p.Gly123Arg (NM_000495.5); short protein forms G123R.
Identifiers: ClinVar variation 587093 (VCV000587093.12), dbSNP rs1569488426, ClinGen allele CA413918484.